The following is an entry in ClinVar:

NM_001273.5(CHD4):c.4963A>G (p.Ile1655Val)

Genes: CHD4 (chromodomain helicase DNA binding protein 4; minus strand), CHD4-AS1 (CHD4 antisense RNA 1; plus strand). Cytogenetic location: 12p13.31.
Variant type: single nucleotide variant.
Coding change: c.4963A>G on transcript NM_001273.5 (MANE Select); coding-DNA position 4963, A replaced by G.
Protein change: p.Ile1655Val; replaces isoleucine 1655 with valine.
Molecular consequence: missense variant.
Genome position (GRCh38, 1-based): chr12:6,578,864, T>C on the plus strand (A>G on the coding strand, the complement: CHD4 is on the minus strand). VCF-style: chr12-6578864-T-C. GRCh37 (hg19) VCF-style: chr12-6688030-T-C.
Other names: c.4942A>G, p.Ile1648Val (NM_001297553.2); c.4930A>G, p.Ile1644Val (NM_001363606.2); short protein forms I1648V, I1644V, I1655V.
Identifiers: ClinVar variation 1492945 (VCV001492945.8), dbSNP rs16932768, ClinGen allele CA232385847.

ClinVar aggregate classification (germline): Uncertain significance (1 of 4 stars; one submission).

Allele frequency attached by ClinVar (database versions not stated): gnomAD 0.00001; gnomAD exomes 0.00001; TOPMed 0.00001.
gnomAD v4.1: 12 of 1,614,052 alleles (0.00074%); highest among the groups gnomAD compares: African/African-American, 0.0013%; no homozygotes.

Submission:

Labcorp Genetics (formerly Invitae), Labcorp
Classification: Uncertain significance. Last evaluated: 2021-04-11. Review status: criteria provided, single submitter. Criteria: Invitae Variant Classification Sherloc (09022015). Collection method: clinical testing. Allele origin: germline.
Comment: In summary, the available evidence is currently insufficient to determine the role of this variant in disease. Therefore, it has been classified as a Variant of Uncertain Significance. This sequence change replaces isoleucine with valine at codon 1655 of the CHD4 protein (p.Ile1655Val). The isoleucine residue is moderately conserved and there is a small physicochemical difference between isoleucine and valine. This variant is not present in population databases (ExAC no frequency). This variant has not been reported in the literature in individuals with CHD4-related conditions. Advanced modeling of protein sequence and biophysical properties (such as structural, functional, and spatial information, amino acid conservation, physicochemical variation, residue mobility, and thermodynamic stability) performed at Invitae indicates that this missense variant is not expected to disrupt CHD4 protein function.